The following is an entry in ClinVar:

ClinVar aggregate classification (germline): Uncertain significance (1 of 4 stars; one submission).

Conditions:
Idiopathic generalized epilepsy. Also called: EIG; Generalised epilepsy. Identifiers: MedGen C0270850, MONDO:0005579, OMIM 600669.
Hyperaldosteronism, familial, type IV (HALD4). Also called: FH IV; ALDOSTERONISM, PRIMARY, AND HYPERTENSION. Identifiers: Orphanet 642671, MedGen C4310756, MONDO:0014875, OMIM 617027.

Submission:

Labcorp Genetics (formerly Invitae), Labcorp
Classification: Uncertain significance for Idiopathic generalized epilepsy; Hyperaldosteronism, familial, type IV. Last evaluated: 2023-10-20. Review status: criteria provided, single submitter. Criteria: Invitae Variant Classification Sherloc (09022015). Collection method: clinical testing. Allele origin: germline.
Comment: This sequence change creates a premature translational stop signal (p.Lys2320Glufs*31) in the CACNA1H gene. While this is not anticipated to result in nonsense mediated decay, it is expected to disrupt the last 34 amino acid(s) of the CACNA1H protein. This variant is not present in population databases (gnomAD no frequency). This variant has not been reported in the literature in individuals affected with CACNA1H-related conditions. In summary, the available evidence is currently insufficient to determine the role of this variant in disease. Therefore, it has been classified as a Variant of Uncertain Significance.

NM_021098.3(CACNA1H):c.6958_6959del (p.Lys2320fs)

Gene: CACNA1H (calcium voltage-gated channel subunit alpha1 H; plus strand). Cytogenetic location: 16p13.3.
Variant type: Deletion.
Coding change: c.6958_6959del on transcript NM_021098.3 (MANE Select); coding-DNA positions 6958 to 6959, 2 bases deleted (AA; older notation c.6958_6959delAA).
Protein change: p.Lys2320fs; shifts the reading frame from lysine 2320.
Molecular consequence: frameshift variant.
Genome position (GRCh38, 1-based): chr16:1,220,890-1,220,891, AA deleted. VCF-style (leftmost placement, unchanged base first): chr16-1220889-GAA-G. GRCh37 (hg19) VCF-style: chr16-1270889-GAA-G.
Other names: c.6940_6941del, p.Lys2314fs (NM_001005407.2); short protein forms K2314fs, K2320fs.
Identifiers: ClinVar variation 2937383 (VCV002937383.3), dbSNP rs2548740983, ClinGen allele CA2740096818.